The following is an entry in ClinVar:

ClinVar aggregate classification (germline): Pathogenic/Likely pathogenic. Review status: criteria provided, multiple submitters, no conflicts (2 of 4 stars). 2 submissions from 2 submitters: Pathogenic (1); Likely pathogenic (1). Last evaluated 2023-08-14.

Conditions:
Agenesis of the corpus callosum with peripheral neuropathy (ACCPN). Also called: POLYNEUROPATHY, SENSORIMOTOR, WITH OR WITHOUT AGENESIS OF THE CORPUS CALLOSUM; CHARLEVOIX DISEASE; Hereditary Motor and Sensory Neuropathy with Agenesis of the Corpus Callosum; HMSN/ACC. Identifiers: Orphanet 1496, MedGen C0795950, MONDO:0000902, OMIM 218000. Disease mechanism: loss of function.

Submissions (2):

Myriad Genetics, Inc.
Classification: Pathogenic for Agenesis of the corpus callosum with peripheral neuropathy. Last evaluated: 2023-08-14. Review status: criteria provided, single submitter. Criteria: Myriad Autosomal Dominant, Autosomal Recessive and X-Linked Classification Criteria (2023). Collection method: clinical testing. Allele origin: unknown.
Comment: NM_133647.1(SLC12A6):c.2924_2928dup5(E977Wfs*18) is expected to be pathogenic in the context of Andermann syndrome. This variant is predicted to lead to an abnormal or absent protein product due to the creation of a premature termination codon in SLC12A6, a gene where loss-of-function variants are known to be pathogenic. Please note: this variant was assessed in the context of healthy population screening.

Baylor Genetics
Classification: Likely pathogenic for Agenesis of the corpus callosum with peripheral neuropathy. Last evaluated: 2022-09-05. Review status: criteria provided, single submitter. Criteria: ACMG Guidelines, 2015. Collection method: clinical testing. Allele origin: unknown.

NM_001365088.1(SLC12A6):c.2924_2928dup (p.Glu977fs)

Gene: SLC12A6 (solute carrier family 12 member 6; minus strand). Cytogenetic location: 15q14.
Variant type: Duplication.
Coding change: c.2924_2928dup on transcript NM_001365088.1 (MANE Select); coding-DNA positions 2924 to 2928, 5 bases duplicated (TGGTG; older notation c.2924_2928dupTGGTG).
Protein change: p.Glu977fs; shifts the reading frame from glutamic acid 977.
Molecular consequence: frameshift variant.
Genome position (GRCh38, 1-based): chr15:34,237,425-34,237,429, CACCA duplicated on the plus strand (TGGTG on the coding strand, the reverse complement: SLC12A6 is on the minus strand); duplicating any 5 consecutive bases within chr15:34,237,425-34,237,430 gives the same sequence; the c. name uses the placement nearest the transcript's 3' end. VCF-style (leftmost placement, unchanged base first): chr15-34237424-C-CCACCA. GRCh37 (hg19) VCF-style: chr15-34529625-C-CCACCA.
Other names: c.2924_2928dup, p.Glu977fs (NM_133647.2); c.2897_2901dup, p.Glu968fs (NM_001042496.2); c.2879_2883dup, p.Glu962fs (NM_001042497.2); c.2771_2775dup, p.Glu926fs (NM_005135.2); c.2747_2751dup, p.Glu918fs (NM_001042494.2, NM_001042495.2); short protein forms E918fs, E926fs, E962fs, E968fs, E977fs.
Identifiers: ClinVar variation 2678758 (VCV002678758.2), dbSNP rs2509749845, ClinGen allele CA2627633174.